The following is an entry in ClinVar:

NM_006563.5(KLF1):c.604G>A (p.Gly202Arg)

Genes: KLF1 (KLF transcription factor 1; minus strand), LOC130063673 (ATAC-STARR-seq lymphoblastoid silent region 10180; plus strand). Cytogenetic location: 19p13.13.
Variant type: single nucleotide variant.
Coding change: c.604G>A on transcript NM_006563.5 (MANE Select); coding-DNA position 604, G replaced by A.
Protein change: p.Gly202Arg; replaces glycine 202 with arginine.
Molecular consequence: missense variant.
Genome position (GRCh38, 1-based): chr19:12,885,626, C>T on the plus strand (G>A on the coding strand, the complement: KLF1 is on the minus strand). VCF-style: chr19-12885626-C-T. GRCh37 (hg19) VCF-style: chr19-12996440-C-T.
Other names: short protein forms G202R.
Identifiers: ClinVar variation 3728771 (VCV003728771.2).

ClinVar aggregate classification (germline): Uncertain significance (1 of 4 stars; one submission).

Submission:

Labcorp Genetics (formerly Invitae), Labcorp
Classification: Uncertain significance. Last evaluated: 2026-01-11. Review status: criteria provided, single submitter. Criteria: Invitae Variant Classification Sherloc (09022015). Collection method: clinical testing. Allele origin: germline.
Comment: This sequence change replaces glycine, which is neutral and non-polar, with arginine, which is basic and polar, at codon 202 of the KLF1 protein (p.Gly202Arg). This variant is present in population databases (rs756658473, gnomAD 0.01%). This variant has not been reported in the literature in individuals affected with KLF1-related conditions. ClinVar contains an entry for this variant (Variation ID: 3728771). Invitae Evidence Modeling of protein sequence and biophysical properties (such as structural, functional, and spatial information, amino acid conservation, physicochemical variation, residue mobility, and thermodynamic stability) has been performed for this missense variant. However, the output from this modeling did not meet the statistical confidence thresholds required to predict the impact of this variant on KLF1 protein function. Algorithms developed to predict the effect of sequence changes on RNA splicing suggest that this variant may create or strengthen a splice site. In summary, the available evidence is currently insufficient to determine the role of this variant in disease. Therefore, it has been classified as a Variant of Uncertain Significance.